The following is an entry in ClinVar:

NM_014232.3(VAMP2):c.337_341del (p.Tyr113fs)

Gene: VAMP2 (vesicle associated membrane protein 2; minus strand). Cytogenetic location: 17p13.1.
Variant type: Deletion.
Coding change: c.337_341del on transcript NM_014232.3 (MANE Select); coding-DNA positions 337 to 341, 5 bases deleted (TACTT; older notation c.337_341delTACTT).
Protein change: p.Tyr113fs; shifts the reading frame from tyrosine 113.
Molecular consequence: frameshift variant.
Genome position (GRCh38, 1-based): chr17:8,160,865-8,160,869, AAGTA deleted on the plus strand (TACTT on the coding strand, the reverse complement: VAMP2 is on the minus strand); deleting any 5 consecutive bases within chr17:8,160,865-8,160,871 gives the same sequence; the c. name uses the placement nearest the transcript's 3' end. VCF-style (leftmost placement, unchanged base first): chr17-8160864-GAAGTA-G. GRCh37 (hg19) VCF-style: chr17-8064182-GAAGTA-G.
Other names: c.343_347del, p.Tyr115fs (NM_001330125.1); short protein forms Y113fs, Y115fs.
Identifiers: ClinVar variation 929464 (VCV000929464.1), dbSNP rs1983290330, ClinGen allele CA1139665212.

ClinVar aggregate classification (germline): Likely pathogenic (1 of 4 stars; one submission).

Submission:

GeneDx
Classification: Likely pathogenic. Last evaluated: 2020-06-18. Review status: criteria provided, single submitter. Criteria: GeneDx Variant Classification (06012015). Collection method: clinical testing. Allele origin: germline. Affected: yes.
Comment: Observed as a de novo variant in internal GeneDx whole exome sequencing data in association with global developmental delay and behavioral issues. Frameshift variant in which the last 4 amino acids are replaced with 11 different amino acids, although pathogenic variants have not been reported downstream of this position in the protein. Not observed in large population cohorts (Lek et al., 2016). We interpret c.337_341delTACTT as a likely pathogenic variant.